The following is an entry in ClinVar:

NM_015910.7(WDPCP):c.1748+18350G>A

Gene: WDPCP (WD repeat containing planar cell polarity effector; minus strand). Cytogenetic location: 2p15.
Variant type: single nucleotide variant.
Coding change: c.1748+18350G>A on transcript NM_015910.7 (MANE Select); 18350 bases into the intron after coding-DNA position 1748, G replaced by A.
Molecular consequence: intron variant. On other transcripts: missense variant (1).
Genome position (GRCh38, 1-based): chr2:63,360,036, C>T on the plus strand (G>A on the coding strand, the complement: WDPCP is on the minus strand). VCF-style: chr2-63360036-C-T. GRCh37 (hg19) VCF-style: chr2-63587171-C-T.
Other names: c.1789G>A, p.Val597Met (NM_001354045.2); c.1676+18350G>A (NM_001354044.2); c.1271+18350G>A (NM_001042692.3); short protein forms V597M.
Identifiers: ClinVar variation 3358447 (VCV003358447.2).

ClinVar aggregate classification (germline): Uncertain significance (1 of 4 stars; one submission).

Conditions:
WDPCP-related disorder. Also called: WDPCP-related condition.

Submission:

PreventionGenetics, part of Exact Sciences
Classification: Uncertain significance for WDPCP-related condition. Last evaluated: 2025-09-03. Review status: criteria provided, single submitter. Criteria: ACMG Guidelines, 2015. Collection method: clinical testing. Allele origin: germline.
Comment: The WDPCP c.1789G>A variant is predicted to result in the amino acid substitution p.Val597Met. To our knowledge, this variant has not been reported in the literature. This variant is reported in 0.011% of alleles in individuals of African descent in gnomAD. At this time, the clinical significance of this variant is uncertain due to the absence of conclusive functional and genetic evidence.